The following is an entry in ClinVar:

ClinVar aggregate classification (germline): Uncertain significance (1 of 4 stars; one submission).

Allele frequency attached by ClinVar (database versions not stated): gnomAD exomes below 0.00001.
gnomAD v4.1: 3 of 1,199,755 alleles (0.00025%); highest among the groups gnomAD compares: Non-Finnish European, 0.00034%; no homozygotes.

Submission:

Labcorp Genetics (formerly Invitae), Labcorp
Classification: Uncertain significance. Last evaluated: 2022-08-23. Review status: criteria provided, single submitter. Criteria: Invitae Variant Classification Sherloc (09022015). Collection method: clinical testing. Allele origin: germline.
Comment: This variant has not been reported in the literature in individuals affected with POLA1-related conditions. In summary, the available evidence is currently insufficient to determine the role of this variant in disease. Therefore, it has been classified as a Variant of Uncertain Significance. Algorithms developed to predict the effect of missense changes on protein structure and function are either unavailable or do not agree on the potential impact of this missense change (SIFT: "Deleterious"; PolyPhen-2: "Possibly Damaging"; Align-GVGD: "Class C0"). ClinVar contains an entry for this variant (Variation ID: 1345083). This variant is not present in population databases (gnomAD no frequency). This sequence change replaces serine, which is neutral and polar, with alanine, which is neutral and non-polar, at codon 1184 of the POLA1 protein (p.Ser1184Ala).

NM_001330360.2(POLA1):c.3568T>G (p.Ser1190Ala)

Gene: POLA1 (DNA polymerase alpha 1, catalytic subunit; plus strand). Cytogenetic location: Xp22.11.
Variant type: single nucleotide variant.
Coding change: c.3568T>G on transcript NM_001330360.2 (MANE Select); coding-DNA position 3568, T replaced by G.
Protein change: p.Ser1190Ala; replaces serine 1190 with alanine.
Molecular consequence: missense variant. On other transcripts: non-coding transcript variant (2).
Genome position (GRCh38, 1-based): chrX:24,826,433, T>G. VCF-style: chrX-24826433-T-G. GRCh37 (hg19) VCF-style: chrX-24844550-T-G.
Other names: c.3493T>G, p.Ser1165Ala (NM_001378303.1); c.3550T>G, p.Ser1184Ala (NM_016937.4); short protein forms S1165A, S1190A, S1184A.
Identifiers: ClinVar variation 1345083 (VCV001345083.8), dbSNP rs2147024292, ClinGen allele CA412528504.